The following is an entry in ClinVar:

ClinVar aggregate classification (germline): Likely benign (1 of 4 stars; one submission).

Conditions:
Breast-ovarian cancer, familial, susceptibility to, 1 (BROVCA1). Also called: OVARIAN CANCER, SUSCEPTIBILITY TO; BRCA1 Hereditary Breast and Ovarian Cancer. Identifiers: Orphanet 145, MedGen C2676676, MONDO:0011450, OMIM 604370. Disease mechanism: loss of function.

gnomAD v4.1: 2 of 1,614,162 alleles (0.00012%); highest among the groups gnomAD compares: South Asian, 0.0022%; no homozygotes.

Submission:

Cancer Bioinformatics and Tumour Evolution Laboratory, Monash University
Classification: Likely benign for Breast-ovarian cancer, familial, susceptibility to, 1. Last evaluated: 2026-05-01. Review status: criteria provided, single submitter. Criteria: ClinGen BRCA1 and BRCA2 Guidelines, 2024. Collection method: curation. Allele origin: germline. Inheritance: Autosomal dominant inheritance.
Comment: Missense variant outside of a functional domain with no splice impact. BRCA1 and BRCA2 VCEP guidelines recommend application of BP1_Strong (PMID: 39142283)

NM_007294.4(BRCA1):c.1171G>C (p.Glu391Gln)

Gene: BRCA1 (BRCA1 DNA repair associated; minus strand). Cytogenetic location: 17q21.31.
Variant type: single nucleotide variant.
Coding change: c.1171G>C on transcript NM_007294.4 (MANE Select); coding-DNA position 1171, G replaced by C.
Protein change: p.Glu391Gln; replaces glutamic acid 391 with glutamine.
Molecular consequence: missense variant. On other transcripts: intron variant (137).
Genome position (GRCh38, 1-based): chr17:43,094,360, C>G on the plus strand (G>C on the coding strand, the complement: BRCA1 is on the minus strand). VCF-style: chr17-43094360-C-G. GRCh37 (hg19) VCF-style: chr17-41246377-C-G.
Other names: c.958G>C, p.Glu320Gln (NM_001407571.1, NM_001407897.1, NM_001407898.1 and 9 more transcripts); c.1171G>C, p.Glu391Gln (NM_001407581.1, NM_001407582.1, NM_001407583.1 and 30 more transcripts); c.1168G>C, p.Glu390Gln (NM_001407587.1, NM_001407610.1, NM_001407611.1 and 22 more transcripts); c.1045G>C, p.Glu349Gln (NM_001407649.1, NM_001407670.1, NM_001407671.1 and 11 more transcripts); c.1093G>C, p.Glu365Gln (NM_001407653.1, NM_001407654.1, NM_001407655.1 and 4 more transcripts); c.1090G>C, p.Glu364Gln (NM_001407659.1, NM_001407660.1, NM_001407661.1 and 1 more transcripts); c.1048G>C, p.Glu350Gln (NM_001407674.1, NM_001407675.1, NM_001407676.1 and 19 more transcripts); c.1030G>C, p.Glu344Gln (NM_001407692.1, NM_001407694.1, NM_001407695.1 and 29 more transcripts); and 40 more; short protein forms E223Q, E263Q, E264Q, E279Q, E280Q, E302Q, E303Q, E320Q.
Identifiers: ClinVar variation 4856549 (VCV004856549.1).